The following is an entry in ClinVar:

ClinVar aggregate classification (germline): Conflicting classifications of pathogenicity. Review status: criteria provided, conflicting classifications (1 of 4 stars). 11 submissions from 11 submitters: Uncertain significance (8); Likely benign (2). 1 of the submissions does not count toward it. Last evaluated 2026-05-19.

Conditions:
BRCA2-related cancer predisposition. Identifiers: MedGen CN377758, MONDO:0700269.
Hereditary cancer-predisposing syndrome. Also called: Hereditary Cancer Syndrome; Tumor predisposition; Neoplastic Syndromes, Hereditary; Hereditary neoplastic syndrome. Identifiers: Orphanet 140162, MedGen C0027672, MeSH D009386, MONDO:0015356.
Hereditary breast ovarian cancer syndrome. Also called: Hereditary breast and ovarian cancer syndrome; Breast and ovarian cancer; Hereditary breast and ovarian cancer; BRCA1- and BRCA2-Associated Hereditary Breast and Ovarian Cancer; Hereditary breast and ovarian cancer syndrome (HBOC); Hereditary breast and/or ovarian cancer syndrome. Identifiers: Orphanet 145, MedGen C0677776, MeSH D061325, MONDO:0003582. Disease mechanism: loss of function.
Breast-ovarian cancer, familial, susceptibility to, 2 (BROVCA2). Also called: BRCA2 Hereditary Breast and Ovarian Cancer. Identifiers: Orphanet 145, MedGen C2675520, MONDO:0012933, OMIM 612555. Disease mechanism: loss of function.

Allele frequency attached by ClinVar (database versions not stated): TOPMed 0.00002.

Submissions (11):

Myriad Genetics, Inc.
Classification: Likely benign for Breast-ovarian cancer, familial, susceptibility to, 2. Last evaluated: 2026-05-19. Review status: criteria provided, single submitter. Criteria: Myriad Autosomal Dominant, Autosomal Recessive and X-Linked Classification Criteria (2023). Collection method: clinical testing. Allele origin: unknown.
Comment: This variant is considered likely benign. This variant is strongly associated with less severe personal and family histories of cancer, typical for individuals without pathogenic variants in this gene [PMID: 25085752].

Labcorp Genetics (formerly Invitae), Labcorp
Classification: Uncertain significance for Hereditary breast ovarian cancer syndrome. Last evaluated: 2026-01-26. Review status: criteria provided, single submitter. Criteria: Invitae Variant Classification Sherloc (09022015). Collection method: clinical testing. Allele origin: germline.
Comment: This sequence change replaces glutamine, which is neutral and polar, with histidine, which is basic and polar, at codon 1107 of the BRCA2 protein (p.Gln1107His). This variant is not present in population databases (gnomAD no frequency). This missense change has been observed in individual(s) with a personal and/or family history of breast and/or ovarian cancer (PMID: 29161300). ClinVar contains an entry for this variant (Variation ID: 37835). Invitae Evidence Modeling of protein sequence and biophysical properties (such as structural, functional, and spatial information, amino acid conservation, physicochemical variation, residue mobility, and thermodynamic stability) indicates that this missense variant is not expected to disrupt BRCA2 protein function with a negative predictive value of 95%. In summary, the available evidence is currently insufficient to determine the role of this variant in disease. Therefore, it has been classified as a Variant of Uncertain Significance.

Quest Diagnostics Nichols Institute San Juan Capistrano
Classification: Uncertain significance. Last evaluated: 2025-04-29. Review status: criteria provided, single submitter. Criteria: Quest Diagnostics criteria. Collection method: clinical testing. Allele origin: unknown.
Comment: The BRCA2 c.3321A>C (p.Gln1107His) variant has been reported in the published literature in an individual with hereditary breast and/or ovarian cancer (PMID: 29161300 (2017)), and described to be located in a region of the BRCA2 gene that is tolerant to missense sequence changes (PMID: 31911673 (2020)). This variant has not been reported in large, multi-ethnic general populations (Genome Aggregation Database). Analysis of this variant using bioinformatics tools for the prediction of the effect of amino acid changes on protein structure and function yielded predictions that this variant is damaging. Based on the available information, we are unable to determine the clinical significance of this variant.

Ambry Genetics
Classification: Uncertain significance for Hereditary cancer-predisposing syndrome. Last evaluated: 2024-03-25. Review status: criteria provided, single submitter. Criteria: Ambry Variant Classification Scheme 2023. Collection method: clinical testing. Allele origin: germline.
Comment: The p.Q1107H variant (also known as c.3321A>C), located in coding exon 10 of the BRCA2 gene, results from an A to C substitution at nucleotide position 3321. The glutamine at codon 1107 is replaced by histidine, an amino acid with highly similar properties. This alteration has been identified in one individual meeting NCCN criteria for hereditary breast/ovarian cancer genetic testing, however, specific clinical details were not provided (Alemar B et al. PLoS ONE, 2017 Nov;12:e0187630). Additionally, this alteration has been reported in multiple individuals diagnosed with breast and/or ovarian cancer (Herzog JS et al. NPJ Breast Cancer, 2021 Aug;7:107). This amino acid position is highly conserved in available vertebrate species. In addition, the in silico prediction for this alteration is inconclusive. Based on the available evidence, the clinical significance of this alteration remains unclear.

All of Us Research Program, National Institutes of Health
Classification: Uncertain significance for BRCA2-related cancer predisposition. Last evaluated: 2024-03-05. Review status: criteria provided, single submitter. Criteria: ACMG Guidelines, 2015. Collection method: clinical testing. Allele origin: germline. Inheritance: Autosomal dominant inheritance. Observed: 1 variant allele, 1 heterozygote.
Comment: This missense variant replaces glutamine with histidine at codon 1107 of the BRCA2 protein. Computational prediction suggests that this variant may not impact protein structure and function (internally defined REVEL score threshold <= 0.5, PMID: 27666373). To our knowledge, functional studies have not been reported for this variant. This variant has been detected in at least one individual fulfilling the National Comprehensive Cancer Network's hereditary breast and ovarian cancer testing criteria (PMID: 29161300). This variant has not been identified in the general population by the Genome Aggregation Database (gnomAD). The available evidence is insufficient to determine the role of this variant in disease conclusively. Therefore, this variant is classified as a Variant of Uncertain Significance.

This study involves interpretation of variants in research participants for the purpose of population health screening. Participant phenotype was not available at the time of variant classification. Additional details can be found in publication PMID: 35346344, PMCID: PMC8962531

University of Washington Department of Laboratory Medicine, University of Washington
Classification: Likely benign for Hereditary cancer-predisposing syndrome. Last evaluated: 2023-03-23. Review status: criteria provided, single submitter. Criteria: Dines et al. (Genet Med. 2020). Collection method: curation. Allele origin: germline.
Comment: Missense variant in a coldspot region where missense variants are very unlikely to be pathogenic (PMID:31911673).

BRCA2 exon 11 coldspot. Reclassification based on statistical prior probability.

Women's Health and Genetics/Laboratory Corporation of America, LabCorp
Classification: Uncertain significance. Last evaluated: 2022-07-21. Review status: criteria provided, single submitter. Criteria: LabCorp Variant Classification Summary - May 2015. Collection method: clinical testing. Allele origin: germline.
Comment: Variant summary: BRCA2 c.3321A>C (p.Gln1107His) results in a non-conservative amino acid change in the encoded protein sequence. Four of five in-silico tools predict a damaging effect of the variant on protein function. The variant was absent in 238670 control chromosomes (gnomAD). The available data on variant occurrences in the general population are insufficient to allow any conclusion about variant significance. c.3321A>C has been reported in the literature in individuals with personal and/or family history of breast and/or ovarian cancer, without strong evidence for or against causality (Alemar_2017, Herzog_2021). These reports therefore do not provide unequivocal conclusions about association of the variant with Hereditary Breast and Ovarian Cancer Syndrome. To our knowledge, no experimental evidence demonstrating an impact on protein function has been reported. Three other clinical diagnostic laboratories have submitted clinical-significance assessments for this variant to ClinVar after 2014, and all of them classified the variant as uncertain significance. Based on the evidence outlined above, the variant was classified as uncertain significance.

Laboratorio de Genetica e Diagnostico Molecular, Hospital Israelita Albert Einstein
Classification: Uncertain significance for Breast-ovarian cancer, familial, susceptibility to, 2. Last evaluated: 2022-07-12. Review status: criteria provided, single submitter. Criteria: ACMG Guidelines, 2015. Collection method: clinical testing. Allele origin: germline. Affected: yes. Observed: 1 variant allele.
Comment: ACMG classification criteria: PM2 moderated, BP4 supporting

Color Diagnostics, LLC DBA Color Health
Classification: Uncertain significance for Hereditary cancer-predisposing syndrome. Last evaluated: 2022-03-01. Review status: criteria provided, single submitter. Criteria: ACMG Guidelines, 2015. Collection method: clinical testing. Allele origin: germline.
Comment: This missense variant replaces glutamine with histidine at codon 1107 of the BRCA2 protein. Computational prediction suggests that this variant may not impact protein structure and function (internally defined REVEL score threshold <= 0.5, PMID: 27666373). To our knowledge, functional studies have not been reported for this variant. This variant has been detected in at least one individual fulfilling the National Comprehensive Cancer Network's hereditary breast and ovarian cancer testing criteria (PMID: 29161300). This variant has not been identified in the general population by the Genome Aggregation Database (gnomAD). The available evidence is insufficient to determine the role of this variant in disease conclusively. Therefore, this variant is classified as a Variant of Uncertain Significance.

Mendelics
Classification: Uncertain significance for Breast-ovarian cancer, familial, susceptibility to, 2. Last evaluated: 2019-05-28. Review status: criteria provided, single submitter. Criteria: Mendelics Assertion Criteria 2017. Collection method: clinical testing. Allele origin: unknown.

Sharing Clinical Reports Project (SCRP)
Classification: Uncertain significance for Breast-ovarian cancer, familial 2. Last evaluated: 2008-11-11. Review status: no assertion criteria provided. Collection method: clinical testing. Allele origin: germline. Not counted in ClinVar's aggregate classification.

Literature cited by the submitters: PubMed 25085752 (cited by Myriad Genetics, Inc.); PubMed 29161300 (cited by 6 submitters); PubMed 31911673 (cited by Quest Diagnostics Nichols Institute San Juan Capistrano); PubMed 34413315 (cited by 3 submitters); PubMed 33854378 (cited by Women's Health and Genetics/Laboratory Corporation of America, LabCorp).

NM_000059.4(BRCA2):c.3321A>C (p.Gln1107His)

Gene: BRCA2 (BRCA2 DNA repair associated; plus strand). Cytogenetic location: 13q13.1.
Variant type: single nucleotide variant.
Coding change: c.3321A>C on transcript NM_000059.4 (MANE Select); coding-DNA position 3321, A replaced by C.
Protein change: p.Gln1107His; replaces glutamine 1107 with histidine.
Molecular consequence: missense variant.
Genome position (GRCh38, 1-based): chr13:32,337,676, A>C. VCF-style: chr13-32337676-A-C. GRCh37 (hg19) VCF-style: chr13-32911813-A-C.
Other names: 3549A>C; short protein forms Q1107H.
Identifiers: ClinVar variation 37835 (VCV000037835.25), dbSNP rs397507306, ClinGen allele CA017780.